The following is an entry in ClinVar:

NM_144701.3(IL23R):c.1435G>C (p.Asp479His)

Gene: IL23R (interleukin 23 receptor; plus strand). Cytogenetic location: 1p31.3.
Variant type: single nucleotide variant.
Coding change: c.1435G>C on transcript NM_144701.3 (MANE Select); coding-DNA position 1435, G replaced by C.
Protein change: p.Asp479His; replaces aspartic acid 479 with histidine.
Molecular consequence: missense variant.
Genome position (GRCh38, 1-based): chr1:67,258,673, G>C. VCF-style: chr1-67258673-G-C. GRCh37 (hg19) VCF-style: chr1-67724356-G-C.
Other names: short protein forms D479H.
Identifiers: ClinVar variation 2781771 (VCV002781771.3), dbSNP rs2525561974, ClinGen allele CA340728213.
Genomic context (GRCh38, chr1:67,258,673, plus strand): 5'-GAGACAAGAGACTACCCGCAAAACTCGCTATTCGACAATACTACAGTTGTATATATTCCT[G>C]ATCTCAACACTGGATATAAACCCCAAATTTCAAATTTTCTGCCTGAGGGAAGCCATCTCA-3'
Protein context (NP_653302.2, residues 469-489): FDNTTVVYIP[Asp479His]LNTGYKPQIS

ClinVar aggregate classification (germline): Uncertain significance (1 of 4 stars; one submission).

Submission:

Labcorp Genetics (formerly Invitae), Labcorp
Classification: Uncertain significance. Last evaluated: 2023-07-28. Review status: criteria provided, single submitter. Criteria: Invitae Variant Classification Sherloc (09022015). Collection method: clinical testing. Allele origin: germline.
Comment: In summary, the available evidence is currently insufficient to determine the role of this variant in disease. Therefore, it has been classified as a Variant of Uncertain Significance. An algorithm developed to predict the effect of missense changes on protein structure and function (PolyPhen-2) suggests that this variant is likely to be disruptive. This variant has not been reported in the literature in individuals affected with IL23R-related conditions. This variant is not present in population databases (gnomAD no frequency). This sequence change replaces aspartic acid, which is acidic and polar, with histidine, which is basic and polar, at codon 479 of the IL23R protein (p.Asp479His).